The following is an entry in ClinVar:

NM_001253697.2(ERBIN):c.1242T>G (p.Asp414Glu)

Gene: ERBIN (erbb2 interacting protein; plus strand). Cytogenetic location: 5q12.3.
Variant type: single nucleotide variant.
Coding change: c.1242T>G on transcript NM_001253697.2 (MANE Select); coding-DNA position 1242, T replaced by G.
Protein change: p.Asp414Glu; replaces aspartic acid 414 with glutamic acid.
Molecular consequence: missense variant.
Genome position (GRCh38, 1-based): chr5:66,038,418, T>G. VCF-style: chr5-66038418-T-G. GRCh37 (hg19) VCF-style: chr5-65334246-T-G.
Other names: c.1242T>G, p.Asp414Glu (NM_001006600.3, NM_001253698.2, NM_001253699.2 and 2 more transcripts); short protein forms D414E.
Identifiers: ClinVar variation 2764415 (VCV002764415.3), dbSNP rs2546761038, ClinGen allele CA359976005.

ClinVar aggregate classification (germline): Uncertain significance (1 of 4 stars; one submission).

gnomAD v4.1: 4 of 1,612,286 alleles (0.00025%); highest among the groups gnomAD compares: Non-Finnish European, 0.00034%; no homozygotes.

Submission:

Labcorp Genetics (formerly Invitae), Labcorp
Classification: Uncertain significance. Last evaluated: 2023-09-29. Review status: criteria provided, single submitter. Criteria: Invitae Variant Classification Sherloc (09022015). Collection method: clinical testing. Allele origin: germline.
Comment: In summary, the available evidence is currently insufficient to determine the role of this variant in disease. Therefore, it has been classified as a Variant of Uncertain Significance. An algorithm developed to predict the effect of missense changes on protein structure and function (PolyPhen-2) suggests that this variant is likely to be tolerated. This variant has not been reported in the literature in individuals affected with ERBIN-related conditions. This variant is not present in population databases (gnomAD no frequency). This sequence change replaces aspartic acid, which is acidic and polar, with glutamic acid, which is acidic and polar, at codon 414 of the ERBIN protein (p.Asp414Glu).